The following is an entry in ClinVar:

ClinVar aggregate classification (germline): Uncertain significance (1 of 4 stars; one submission).

Conditions:
Juvenile polyposis syndrome (JPS). Identifiers: Orphanet 2929, MedGen C0345893, MONDO:0017380, OMIM 174900.

Submission:

Labcorp Genetics (formerly Invitae), Labcorp
Classification: Uncertain significance for Juvenile polyposis syndrome. Last evaluated: 2025-08-31. Review status: criteria provided, single submitter. Criteria: Invitae Variant Classification Sherloc (09022015). Collection method: clinical testing. Allele origin: germline.
Comment: This sequence change replaces proline, which is neutral and non-polar, with serine, which is neutral and polar, at codon 57 of the BMPR1A protein (p.Pro57Ser). This variant is not present in population databases (gnomAD no frequency). This variant has not been reported in the literature in individuals affected with BMPR1A-related conditions. ClinVar contains an entry for this variant (Variation ID: 3021379). Invitae Evidence Modeling of protein sequence and biophysical properties (such as structural, functional, and spatial information, amino acid conservation, physicochemical variation, residue mobility, and thermodynamic stability) has been performed for this missense variant. However, the output from this modeling did not meet the statistical confidence thresholds required to predict the impact of this variant on BMPR1A protein function. In summary, the available evidence is currently insufficient to determine the role of this variant in disease. Therefore, it has been classified as a Variant of Uncertain Significance.

NM_004329.3(BMPR1A):c.169C>T (p.Pro57Ser)

Gene: BMPR1A (bone morphogenetic protein receptor type 1A; plus strand). Cytogenetic location: 10q23.2.
Variant type: single nucleotide variant.
Coding change: c.169C>T on transcript NM_004329.3 (MANE Select); coding-DNA position 169, C replaced by T.
Protein change: p.Pro57Ser; replaces proline 57 with serine.
Molecular consequence: missense variant. On other transcripts: non-coding transcript variant (3).
Genome position (GRCh38, 1-based): chr10:86,890,163, C>T. VCF-style: chr10-86890163-C-T. GRCh37 (hg19) VCF-style: chr10-88649920-C-T.
Other names: c.169C>T, p.Pro57Ser (NM_001406559.1, NM_001406560.1, NM_001406561.1 and 23 more transcripts); c.85C>T, p.Pro29Ser (NM_001406584.1, NM_001406585.1, NM_001406586.1 and 2 more transcripts); short protein forms P29S, P57S.
Identifiers: ClinVar variation 3021379 (VCV003021379.3), dbSNP rs2133395751, ClinGen allele CA377446823.